The following is an entry in ClinVar:

NM_004260.4(RECQL4):c.2885+6C>T

Gene: RECQL4 (RecQ like helicase 4; minus strand). Cytogenetic location: 8q24.3.
Variant type: single nucleotide variant.
Coding change: c.2885+6C>T on transcript NM_004260.4 (MANE Select); 6 bases into the intron after coding-DNA position 2885, C replaced by T.
Molecular consequence: intron variant.
Genome position (GRCh38, 1-based): chr8:144,512,636, G>A on the plus strand (C>T on the coding strand, the complement: RECQL4 is on the minus strand). VCF-style: chr8-144512636-G-A. GRCh37 (hg19) VCF-style: chr8-145738019-G-A.
Identifiers: ClinVar variation 936641 (VCV000936641.6), dbSNP rs1827466838, ClinGen allele CA463566582.
Genomic context (GRCh38, chr8:144,512,636, plus strand): 5'-AAAGGGACATGTGGCCAACAGCCCTGATTCTCCAACCTCGTCTCCAACTGGGCAGGGCGT[G>A]CTTACCTGTGGGCCAGGGCCTGGAGCTGGGCAGGGCCCCCAGGGCAGTTCAGACGGCAAT-3'

ClinVar aggregate classification (germline): Uncertain significance (1 of 4 stars; one submission).

Conditions:
Baller-Gerold syndrome (BGS). Also called: CRANIOSYNOSTOSIS WITH RADIAL DEFECTS. Identifiers: Orphanet 1225, MedGen C0265308, MONDO:0009039, OMIM 218600.

Allele frequency attached by ClinVar (database versions not stated): gnomAD exomes below 0.00001.
gnomAD v4.1: 2 of 1,612,094 alleles (0.00012%); highest among the groups gnomAD compares: Non-Finnish European, 0.000085%; no homozygotes.

Submission:

Labcorp Genetics (formerly Invitae), Labcorp
Classification: Uncertain significance for Baller-Gerold syndrome. Last evaluated: 2021-05-20. Review status: criteria provided, single submitter. Criteria: Invitae Variant Classification Sherloc (09022015). Collection method: clinical testing. Allele origin: germline.
Comment: In summary, the available evidence is currently insufficient to determine the role of this variant in disease. Therefore, it has been classified as a Variant of Uncertain Significance. Algorithms developed to predict the effect of sequence changes on RNA splicing suggest that this variant is not likely to affect RNA splicing, but this prediction has not been confirmed by published transcriptional studies. This variant has not been reported in the literature in individuals with RECQL4-related conditions. ClinVar contains an entry for this variant (Variation ID: 936641). This variant is not present in population databases (ExAC no frequency). This sequence change falls in intron 16 of the RECQL4 gene. It does not directly change the encoded amino acid sequence of the RECQL4 protein.